The following is an entry in ClinVar:

NM_003922.4(HERC1):c.5219T>G (p.Leu1740Arg)

Gene: HERC1 (HECT and RLD domain containing E3 ubiquitin protein ligase family member 1; minus strand). Cytogenetic location: 15q22.31.
Variant type: single nucleotide variant.
Coding change: c.5219T>G on transcript NM_003922.4 (MANE Select); coding-DNA position 5219, T replaced by G.
Protein change: p.Leu1740Arg; replaces leucine 1740 with arginine.
Molecular consequence: missense variant.
Genome position (GRCh38, 1-based): chr15:63,694,797, A>C on the plus strand (T>G on the coding strand, the complement: HERC1 is on the minus strand). VCF-style: chr15-63694797-A-C. GRCh37 (hg19) VCF-style: chr15-63986996-A-C.
Other names: short protein forms L1740R.
Identifiers: ClinVar variation 2577700 (VCV002577700.1), dbSNP rs2551493172, ClinGen allele CA392748468.

ClinVar aggregate classification (germline): Uncertain significance (1 of 4 stars; one submission).

Submission:

GeneDx
Classification: Uncertain significance. Last evaluated: 2023-02-27. Review status: criteria provided, single submitter. Criteria: GeneDx Variant Classification Process June 2021. Collection method: clinical testing. Allele origin: germline. Affected: yes.
Comment: Not observed at significant frequency in large population cohorts (gnomAD); In silico analysis supports that this missense variant does not alter protein structure/function; Has not been previously published as pathogenic or benign to our knowledge